The following is an entry in ClinVar:

NM_207346.3(TSEN54):c.1253-4_1263del

Gene: TSEN54 (tRNA splicing endonuclease subunit 54; plus strand). Cytogenetic location: 17q25.1.
Variant type: Deletion.
Coding change: c.1253-4_1263del on transcript NM_207346.3 (MANE Select); 4 bases into the intron before coding-DNA position 1253 through coding-DNA position 1263, 15 bases deleted (GTAGCCGTGGTCCTT).
Molecular consequence: splice acceptor variant.
Genome position (GRCh38, 1-based): chr17:75,523,271-75,523,285, GTAGCCGTGGTCCTT deleted; deleting any 15 consecutive bases within chr17:75,523,265-75,523,285 gives the same sequence; the c. name uses the placement nearest the transcript's 3' end. VCF-style (leftmost placement, unchanged base first): chr17-75523264-TGTCCTTGTAGCCGTG-T. GRCh37 (hg19) VCF-style: chr17-73519345-TGTCCTTGTAGCCGTG-T.
Identifiers: ClinVar variation 2102803 (VCV002102803.4), dbSNP rs2546158894, ClinGen allele CA2580095218.

ClinVar aggregate classification (germline): Likely pathogenic (1 of 4 stars; one submission).

Submission:

Labcorp Genetics (formerly Invitae), Labcorp
Classification: Likely pathogenic. Last evaluated: 2022-04-06. Review status: criteria provided, single submitter. Criteria: Invitae Variant Classification Sherloc (09022015). Collection method: clinical testing. Allele origin: germline.
Comment: In summary, the currently available evidence indicates that the variant is pathogenic, but additional data are needed to prove that conclusively. Therefore, this variant has been classified as Likely Pathogenic. Algorithms developed to predict the effect of sequence changes on RNA splicing suggest that this variant may disrupt the consensus splice site. This variant has not been reported in the literature in individuals affected with TSEN54-related conditions. This variant is not present in population databases (gnomAD no frequency). This variant results in the deletion of part of exon 9 (c.1253-4_1263del) of the TSEN54 gene. It is expected to disrupt RNA splicing. Variants that disrupt the donor or acceptor splice site typically lead to a loss of protein function (PMID: 16199547), and loss-of-function variants in TSEN54 are known to be pathogenic (PMID: 18711368, 20952379).

Literature cited by the submitters: PubMed 16199547; PubMed 18711368; PubMed 20952379.